The following is an entry in ClinVar:

NM_020778.5(ALPK3):c.4484T>A (p.Phe1495Tyr)

Gene: ALPK3 (alpha kinase 3; plus strand). Cytogenetic location: 15q25.3.
Variant type: single nucleotide variant.
Coding change: c.4484T>A on transcript NM_020778.5 (MANE Select); coding-DNA position 4484, T replaced by A.
Protein change: p.Phe1495Tyr; replaces phenylalanine 1495 with tyrosine.
Molecular consequence: missense variant.
Genome position (GRCh38, 1-based): chr15:84,863,625, T>A. VCF-style: chr15-84863625-T-A. GRCh37 (hg19) VCF-style: chr15-85406856-T-A.
Other names: short protein forms F1495Y.
Identifiers: ClinVar variation 3532823 (VCV003532823.1).
Genomic context (GRCh38, chr15:84,863,625, plus strand): 5'-AGAACATGAGTCGGGAGTACTGCAAAATCTTCGCAGCAGAAGCCCGGGCCGCGCCTGGCT[T>A]TGGGGAGGTGCCTGAGTAAGTACGCAGCGAGGAGGACGTGCAGTGTGCAGCACTGTTGCC-3'
Protein context (NP_065829.4, residues 1485-1505): FAAEARAAPG[Phe1495Tyr]GEVPEIIPLY

ClinVar aggregate classification (germline): Uncertain significance (1 of 4 stars; one submission).

Conditions:
Cardiovascular phenotype. Identifiers: MedGen CN230736.

Submission:

Ambry Genetics
Classification: Uncertain significance for Cardiovascular phenotype. Last evaluated: 2024-07-06. Review status: criteria provided, single submitter. Criteria: Ambry Variant Classification Scheme 2023. Collection method: clinical testing. Allele origin: germline.
Comment: The p.F1697Y variant (also known as c.5090T>A), located in coding exon 11 of the ALPK3 gene, results from a T to A substitution at nucleotide position 5090. The phenylalanine at codon 1697 is replaced by tyrosine, an amino acid with highly similar properties. This amino acid position is conserved. In addition, this alteration is predicted to be tolerated by in silico analysis. Based on the available evidence, the clinical significance of this variant remains unclear.